The following is an entry in ClinVar:

NM_174936.4(PCSK9):c.208-14T>G

Gene: PCSK9 (proprotein convertase subtilisin/kexin type 9; plus strand). Cytogenetic location: 1p32.3.
Variant type: single nucleotide variant.
Coding change: c.208-14T>G on transcript NM_174936.4 (MANE Select); 14 bases into the intron before coding-DNA position 208, T replaced by G.
Molecular consequence: intron variant.
Genome position (GRCh38, 1-based): chr1:55,043,829, T>G. VCF-style: chr1-55043829-T-G. GRCh37 (hg19) VCF-style: chr1-55509502-T-G.
Identifiers: ClinVar variation 921573 (VCV000921573.10), dbSNP rs750836360, ClinGen allele CA040682.
Genomic context (GRCh38, chr1:55,043,829, plus strand): 5'-GGGGTGAGATAAAGTACACCTAGGGTTTGCTGGGTTTCTTCCATGTCATCATGTTCCTCC[T>G]TGCATGGGGCCAGGATCCGTGGAGGTTGCCTGGCACCTACGTGGTGGTGCTGAAGGAGGA-3'

ClinVar aggregate classification (germline): Conflicting classifications of pathogenicity. Review status: criteria provided, conflicting classifications (1 of 4 stars). 4 submissions from 4 submitters: Uncertain significance (2); Likely benign (2). Last evaluated 2025-09-04.

Conditions:
Familial hypercholesterolemia. Also called: Familial hypercholesterolemias; Familial hypercholesterolaemia. Identifiers: MedGen C0020445, MONDO:0005439.
Hypercholesterolemia, autosomal dominant, 3 (FHCL3). Also called: Familial hypercholesterolemia 3; Familial Hypercholesterolemia, Autosomal Dominant, 3; PCSK9-Related Familial Hypercholesterolemia, Autosomal Dominant. Identifiers: MedGen C1863551, MONDO:0011369, OMIM 603776.

Allele frequency attached by ClinVar (database versions not stated): gnomAD below 0.00001 and 0.00001; TOPMed below 0.00001; ExAC 0.00002; gnomAD exomes 0.00002.
gnomAD v4.1: 32 of 1,613,706 alleles (0.002%); highest among the groups gnomAD compares: Middle Eastern, 0.034%; no homozygotes.

Submissions (4):

Color Diagnostics, LLC DBA Color Health
Classification: Likely benign for Familial hypercholesterolemia. Last evaluated: 2025-09-04. Review status: criteria provided, single submitter. Criteria: ACMG Guidelines, 2015. Collection method: clinical testing. Allele origin: germline.

Cambridge Genomics Laboratory, East Genomic Laboratory Hub, NHS Genomic Medicine Service
Classification: Uncertain significance for Familial hypercholesterolaemia. Last evaluated: 2025-07-21. Review status: criteria provided, single submitter. Criteria: ACGS Best Practice Guidelines for Variant Classification in Rare Disease 2020. Collection method: clinical testing. Allele origin: germline. Affected: yes.

Labcorp Genetics (formerly Invitae), Labcorp
Classification: Likely benign for Hypercholesterolemia, autosomal dominant, 3. Last evaluated: 2024-12-04. Review status: criteria provided, single submitter. Criteria: Invitae Variant Classification Sherloc (09022015). Collection method: clinical testing. Allele origin: germline.

All of Us Research Program, National Institutes of Health
Classification: Uncertain significance for Hypercholesterolemia, autosomal dominant, 3. Last evaluated: 2023-08-15. Review status: criteria provided, single submitter. Criteria: ACMG Guidelines, 2015. Collection method: clinical testing. Allele origin: germline. Inheritance: Autosomal dominant inheritance. Observed: 1 variant allele, 1 heterozygote.
Comment: This variant causes a T to G nucleotide substitution at the -14 position of intron 1 of the PCSK9 gene. To our knowledge, functional studies have not been reported for this variant. This variant has not been reported in individuals affected with cardiovascular disorders in the literature. This variant has been identified in 6/249586 chromosomes in the general population by the Genome Aggregation Database (gnomAD). The available evidence is insufficient to determine the role of this variant in disease conclusively. Therefore, this variant is classified as a Variant of Uncertain Significance.

This study involves interpretation of variants in research participants for the purpose of population health screening. Participant phenotype was not available at the time of variant classification. Additional details can be found in publication PMID: 35346344, PMCID: PMC8962531